The following is an entry in ClinVar:

ClinVar aggregate classification (germline): Conflicting classifications of pathogenicity. Review status: criteria provided, conflicting classifications (1 of 4 stars). 10 submissions from 10 submitters: Uncertain significance (1); Benign (4); Likely benign (2). 3 of the submissions do not count toward it. Last evaluated 2026-06-01.

Conditions:
Beta-thalassemia HBB/LCRB. Identifiers: MedGen CN322236, MONDO:0013517, OMIM 613985.
HBB-related disorder. Also called: HBB-related disorders; HBB-related condition. Identifiers: MedGen CN239378.
beta Thalassemia (BTHAL). Also called: Cooley's anemia; Erythroblastic anemia; Mediterranean anemia. Identifiers: Orphanet 848, MedGen C0005283, MONDO:0019402. Disease mechanism: loss of function.

Allele frequency attached by ClinVar (database versions not stated): gnomAD exomes 0.00139 and 0.00057; ExAC 0.00173; gnomAD 0.00555 and 0.00593; TOPMed 0.00665; 1000 Genomes Project 30x 0.00640; ESP Exome Variant Server 0.00539; 1000 Genomes Project 0.00639.
gnomAD v4.1: 1,700 of 1,607,692 alleles (0.11%); highest among the groups gnomAD compares: African/African-American, 1.9%; 18 homozygotes.

Submissions (10):

CeGaT Center for Human Genetics Tuebingen
Classification: Benign. Last evaluated: 2026-06-01. Review status: criteria provided, single submitter. Criteria: CeGaT Center For Human Genetics Tuebingen Variant Classification Criteria Version 2. Collection method: clinical testing. Allele origin: germline. Affected: yes. Observed: 1 variant allele.
Comment: HBB: BS1, BS2

Labcorp Genetics (formerly Invitae), Labcorp
Classification: Benign. Last evaluated: 2026-02-02. Review status: criteria provided, single submitter. Criteria: Invitae Variant Classification Sherloc (09022015). Collection method: clinical testing. Allele origin: germline.

ARUP Laboratories, Molecular Genetics and Genomics, ARUP Laboratories
Classification: Benign. Last evaluated: 2025-07-31. Review status: criteria provided, single submitter. Criteria: ARUP Molecular Germline Variant Investigation Process 2024. Collection method: clinical testing. Allele origin: germline.

Blueprint Genetics
Classification: Likely benign. Last evaluated: 2024-11-06. Review status: criteria provided, single submitter. Criteria: ACMG Guidelines, 2015. Collection method: clinical testing. Allele origin: germline.

Mendelics
Classification: Benign for Beta-thalassemia HBB/LCRB. Last evaluated: 2023-08-22. Review status: criteria provided, single submitter. Criteria: Mendelics Assertion Criteria 2019. Collection method: clinical testing. Allele origin: germline.

Quest Diagnostics Nichols Institute San Juan Capistrano
Classification: Likely benign. Last evaluated: 2020-12-09. Review status: criteria provided, single submitter. Criteria: Quest Diagnostics criteria. Collection method: clinical testing. Allele origin: unknown.

Women's Health and Genetics/Laboratory Corporation of America, LabCorp
Classification: Uncertain significance for Beta Thalassemia. Last evaluated: 2011-08-18. Review status: criteria provided, single submitter. Criteria: LabCorp Variant Classification Summary - May 2015. Collection method: clinical testing. Allele origin: germline. Inheritance: autosomal unknown.
ClinVar note: Converted during submission from uncertain to Uncertain significance.

Molecular Genetics Laboratory, BC Children's and BC Women's Hospitals
Classification: Likely benign for beta Thalassemia. Last evaluated: 2022-10-14. Review status: no assertion criteria provided. Criteria: ACMG Guidelines, 2015. Collection method: clinical testing. Allele origin: germline. Affected: yes. Not counted in ClinVar's aggregate classification.

The ITHANET community portal, The Cyprus Institute of Neurology and Genetics
Classification: Benign for beta Thalassemia. Last evaluated: 2019-11-25. Review status: no assertion criteria provided. Collection method: curation. Allele origin: germline. Not counted in ClinVar's aggregate classification.

PreventionGenetics, part of Exact Sciences
Classification: Likely benign for HBB-related condition. Last evaluated: 2019-02-19. Review status: no assertion criteria provided. Collection method: clinical testing. Allele origin: germline. Not counted in ClinVar's aggregate classification.
Comment: This variant is classified as likely benign based on ACMG/AMP sequence variant interpretation guidelines (Richards et al. 2015 PMID: 25741868, with internal and published modifications).

Literature cited by the submitters: PubMed 10815781 (cited by 3 submitters); PubMed 25087612 (cited by Quest Diagnostics Nichols Institute San Juan Capistrano); PubMed 28794124 (cited by Quest Diagnostics Nichols Institute San Juan Capistrano and The ITHANET community portal, The Cyprus Institute of Neurology and Genetics); PubMed 24754789 (cited by Quest Diagnostics Nichols Institute San Juan Capistrano); PubMed 10569722 (cited by The ITHANET community portal, The Cyprus Institute of Neurology and Genetics); PubMed 18096416 (cited by The ITHANET community portal, The Cyprus Institute of Neurology and Genetics).

NM_000518.5(HBB):c.93-23T>C

Genes: HBB (hemoglobin subunit beta; minus strand), LOC106099062 (HBB recombination region; plus strand), LOC107133510 (origin of replication at HBB; plus strand). Cytogenetic location: 11p15.4.
Variant type: single nucleotide variant.
Coding change: c.93-23T>C on transcript NM_000518.5 (MANE Select); 23 bases into the intron before coding-DNA position 93, T replaced by C.
Molecular consequence: intron variant.
Genome position (GRCh38, 1-based): chr11:5,226,822, A>G on the plus strand (T>C on the coding strand, the complement: HBB is on the minus strand). VCF-style: chr11-5226822-A-G. GRCh37 (hg19) VCF-style: chr11-5248052-A-G.
Other names: IVS I-108 T>C.
Identifiers: ClinVar variation 36340 (VCV000036340.38), dbSNP rs111851677, ClinGen allele CA342879.